The following is an entry in ClinVar:

NM_000094.4(COL7A1):c.5719G>T (p.Gly1907Ter)

Gene: COL7A1 (collagen type VII alpha 1 chain; minus strand). Cytogenetic location: 3p21.31.
Variant type: single nucleotide variant.
Coding change: c.5719G>T on transcript NM_000094.4 (MANE Select); coding-DNA position 5719, G replaced by T.
Protein change: p.Gly1907Ter; replaces glycine 1907 with a stop codon.
Molecular consequence: nonsense.
Genome position (GRCh38, 1-based): chr3:48,576,539, C>A on the plus strand (G>T on the coding strand, the complement: COL7A1 is on the minus strand). VCF-style: chr3-48576539-C-A. GRCh37 (hg19) VCF-style: chr3-48613972-C-A.
Other names: short protein forms G1907*.
Identifiers: ClinVar variation 4065169 (VCV004065169.3).

ClinVar aggregate classification (germline): Pathogenic/Likely pathogenic. Review status: criteria provided, multiple submitters, no conflicts (2 of 4 stars). 2 submissions from 2 submitters: Pathogenic (1); Likely pathogenic (1). Last evaluated 2025-04-21.

Conditions:
Epidermolysis bullosa dystrophica. Also called: Dystrophic epidermolysis bullosa, Hallopeau-Siemens type (formerly); Dystrophic epidermolysis bullosa. Identifiers: Orphanet 303, MedGen C0079294, MONDO:0006543.
Recessive dystrophic epidermolysis bullosa (RDEB). Also called: DYSTROPHIC EPIDERMOLYSIS BULLOSA, AUTOSOMAL RECESSIVE; EPIDERMOLYSIS BULLOSA DYSTROPHICA, HALLOPEAU-SIEMENS TYPE; Hallopeau-Siemens Disease; EPIDERMOLYSIS BULLOSA DYSTROPHICA, GENERALIZED SEVERE, AUTOSOMAL RECESSIVE; severe generalized recessive dystrophic epidermolysis bullosa; Epidermolysis Bullosa Distrophica Autosomal Recessive (RDEB). Identifiers: Orphanet 79408, Orphanet 79409, MedGen C0079474, MONDO:0009179, OMIM 226600.

Submissions (2):

Natera, Inc.
Classification: Likely pathogenic for Dystrophic epidermolysis bullosa. Last evaluated: 2025-04-21. Review status: criteria provided, single submitter. Criteria: Natera Variant Classification Schema (03/2026). Collection method: clinical testing. Allele origin: germline.
Comment: The c.5719G>T variant in COL7A1 is a nonsense variant predicted to introduce a stop codon at amino acid 1907. This variant is expected to result in nonsense mediated decay, truncation, or a dysfunctional protein product. This variant is rare in the general population with a frequency below the threshold expected for the associated phenotype(s). Given the available evidence, this variant is classified as Likely Pathogenic.

Myriad Genetics, Inc.
Classification: Pathogenic for Recessive dystrophic epidermolysis bullosa. Last evaluated: 2025-01-23. Review status: criteria provided, single submitter. Criteria: Myriad Autosomal Dominant, Autosomal Recessive and X-Linked Classification Criteria (2023). Collection method: clinical testing. Allele origin: unknown.
Comment: NM_000094.3(COL7A1):c.5719G>T(G1907*) is expected to be pathogenic in the context of dystrophic epidermolysis bullosa. This variant is predicted to lead to an abnormal or absent protein product due to the creation of a premature termination codon in COL7A1, a gene where loss-of-function variants are known to be pathogenic. Please note: this variant was assessed in the context of healthy population screening.